The following is an entry in ClinVar:

NM_004260.4(RECQL4):c.1798G>C (p.Ala600Pro)

Gene: RECQL4 (RecQ like helicase 4; minus strand). Cytogenetic location: 8q24.3.
Variant type: single nucleotide variant.
Coding change: c.1798G>C on transcript NM_004260.4 (MANE Select); coding-DNA position 1798, G replaced by C.
Protein change: p.Ala600Pro; replaces alanine 600 with proline.
Molecular consequence: missense variant. On other transcripts: non-coding transcript variant (3), intron variant (3).
Genome position (GRCh38, 1-based): chr8:144,514,269, C>G on the plus strand (G>C on the coding strand, the complement: RECQL4 is on the minus strand). VCF-style: chr8-144514269-C-G. GRCh37 (hg19) VCF-style: chr8-145739653-C-G.
Other names: c.727G>C, p.Ala243Pro (NM_001413023.1, NM_001413024.1, NM_001413028.1 and 6 more transcripts); c.1669G>C, p.Ala557Pro (NM_001413025.1); c.661G>C, p.Ala221Pro (NM_001413027.1, NM_001413030.1, NM_001413032.1 and 1 more transcripts); c.1447G>C, p.Ala483Pro (NM_001413029.1); c.1705-39G>C (NM_001413033.1); c.568-39G>C (NM_001413031.1); c.634-39G>C (NM_001413037.1); c.1702G>C, p.Ala568Pro (NM_001413017.1, NM_001413020.1); and 4 more; short protein forms A221P, A557P, A243P, A568P, A590P, A600P, A111P, A233P.
Identifiers: ClinVar variation 2819812 (VCV002819812.3), dbSNP rs2130695485, ClinGen allele CA372680903.

ClinVar aggregate classification (germline): Uncertain significance (1 of 4 stars; one submission).

Conditions:
Baller-Gerold syndrome (BGS). Also called: CRANIOSYNOSTOSIS WITH RADIAL DEFECTS. Identifiers: Orphanet 1225, MedGen C0265308, MONDO:0009039, OMIM 218600.

Submission:

Labcorp Genetics (formerly Invitae), Labcorp
Classification: Uncertain significance for Baller-Gerold syndrome. Last evaluated: 2022-12-10. Review status: criteria provided, single submitter. Criteria: Invitae Variant Classification Sherloc (09022015). Collection method: clinical testing. Allele origin: germline.
Comment: This variant has not been reported in the literature in individuals affected with RECQL4-related conditions. In summary, the available evidence is currently insufficient to determine the role of this variant in disease. Therefore, it has been classified as a Variant of Uncertain Significance. Advanced modeling of protein sequence and biophysical properties (such as structural, functional, and spatial information, amino acid conservation, physicochemical variation, residue mobility, and thermodynamic stability) has been performed at Invitae for this missense variant, however the output from this modeling did not meet the statistical confidence thresholds required to predict the impact of this variant on RECQL4 protein function. This variant is not present in population databases (gnomAD no frequency). This sequence change replaces alanine, which is neutral and non-polar, with proline, which is neutral and non-polar, at codon 600 of the RECQL4 protein (p.Ala600Pro).